The following is an entry in ClinVar:

NM_173660.5(DOK7):c.54+32_54+33dup

Gene: DOK7 (docking protein 7; plus strand). Cytogenetic location: 4p16.3.
Variant type: Duplication.
Coding change: c.54+32_54+33dup on transcript NM_173660.5 (MANE Select); bases 32 to 33 of the intron after coding-DNA position 54, 2 bases duplicated (GG; older notation c.54+32_54+33dupGG).
Molecular consequence: intron variant.
Genome position (GRCh38, 1-based): chr4:3,463,461-3,463,462, GG duplicated; duplicating any 2 consecutive bases within chr4:3,463,451-3,463,462 gives the same sequence; the c. name uses the placement nearest the transcript's 3' end. VCF-style (leftmost placement, unchanged base first): chr4-3463450-C-CGG. GRCh37 (hg19) VCF-style: chr4-3465177-C-CGG.
Other names: p.?; c.54+32_54+33dup (NM_001301071.2, NM_001363811.2, NM_001164673.2); c.54+32_54+33dupGG (NM_173660.4).
Identifiers: ClinVar variation 1169432 (VCV001169432.12), dbSNP rs71180187, ClinGen allele CA549329502.

ClinVar aggregate classification (germline): Benign/Likely benign. Review status: criteria provided, multiple submitters, no conflicts (2 of 4 stars). 3 submissions from 3 submitters: Benign (1); Likely benign (1). 1 of the submissions does not count toward it. Last evaluated 2026-01-21.

Conditions:
DOK7-related disorder. Also called: DOK7-related condition.
Fetal akinesia deformation sequence 1 (FADS1). Also called: Fetal akinesia sequence; Pena-Shokeir syndrome type I. Identifiers: Orphanet 994, MedGen C1276035, MONDO:0100101, OMIM 208150, HP:0001989.
Congenital myasthenic syndrome 10. Also called: Myasthenia, limb-girdle, familial. Identifiers: Orphanet 590, MedGen C1850792, MONDO:0009690, OMIM 254300.

Submissions (3):

Labcorp Genetics (formerly Invitae), Labcorp
Classification: Benign for Congenital myasthenic syndrome 10; Fetal akinesia deformation sequence 1. Last evaluated: 2026-01-21. Review status: criteria provided, single submitter. Criteria: Invitae Variant Classification Sherloc (09022015). Collection method: clinical testing. Allele origin: germline.

Mayo Clinic Laboratories, Mayo Clinic
Classification: Likely benign. Last evaluated: 2025-07-18. Review status: criteria provided, single submitter. Criteria: ACMG Guidelines, 2015. Collection method: clinical testing. Allele origin: germline. Observed: 3 variant alleles.
Comment: BS1, BP4, BP7

PreventionGenetics, part of Exact Sciences
Classification: Likely benign for DOK7-related condition. Last evaluated: 2023-05-22. Review status: no assertion criteria provided. Collection method: clinical testing. Allele origin: germline. Not counted in ClinVar's aggregate classification.
Comment: This variant is classified as likely benign based on ACMG/AMP sequence variant interpretation guidelines (Richards et al. 2015 PMID: 25741868, with internal and published modifications).